The following is an entry in ClinVar:

NM_001029883.3(PCARE):c.1795T>C (p.Cys599Arg)

Gene: PCARE (photoreceptor cilium actin regulator; minus strand). Cytogenetic location: 2p23.2.
Variant type: single nucleotide variant.
Coding change: c.1795T>C on transcript NM_001029883.3 (MANE Select); coding-DNA position 1795, T replaced by C.
Protein change: p.Cys599Arg; replaces cysteine 599 with arginine.
Molecular consequence: missense variant.
Genome position (GRCh38, 1-based): chr2:29,072,467, A>G on the plus strand (T>C on the coding strand, the complement: PCARE is on the minus strand). VCF-style: chr2-29072467-A-G. GRCh37 (hg19) VCF-style: chr2-29295333-A-G.
Other names: short protein forms C599R.
Identifiers: ClinVar variation 2203034 (VCV002203034.5), dbSNP rs377190272, ClinGen allele CA1592350.

ClinVar aggregate classification (germline): Conflicting classifications of pathogenicity. Review status: criteria provided, conflicting classifications (1 of 4 stars). 2 submissions from 2 submitters: Likely pathogenic (1); Uncertain significance (1). Last evaluated 2022-03-11.

Conditions:
PCARE-related disorder. Also called: PCARE-related condition.

Allele frequency attached by ClinVar (database versions not stated): TOPMed below 0.00001; gnomAD exomes 0.00001; ExAC 0.00002; ESP Exome Variant Server 0.00008.
gnomAD v4.1: 10 of 1,614,220 alleles (0.00062%); highest among the groups gnomAD compares: Non-Finnish European, 0.00085%; no homozygotes.

Submissions (2):

Labcorp Genetics (formerly Invitae), Labcorp
Classification: Uncertain significance. Last evaluated: 2022-03-11. Review status: criteria provided, single submitter. Criteria: Invitae Variant Classification Sherloc (09022015). Collection method: clinical testing. Allele origin: germline.
Comment: This sequence change replaces cysteine, which is neutral and slightly polar, with arginine, which is basic and polar, at codon 599 of the PCARE protein (p.Cys599Arg). In summary, the available evidence is currently insufficient to determine the role of this variant in disease. Therefore, it has been classified as a Variant of Uncertain Significance. Algorithms developed to predict the effect of missense changes on protein structure and function are either unavailable or do not agree on the potential impact of this missense change (SIFT: "Deleterious"; PolyPhen-2: "Benign"; Align-GVGD: "Class C15"). This missense change has been observed in individual(s) with retinitis pigmentosa (PMID: 25544989). This variant is present in population databases (rs377190272, gnomAD 0.002%).

Blueprint Genetics
Classification: Likely pathogenic for PCARE-related disorders. Last evaluated: 2019-07-25. Review status: criteria provided, single submitter. Criteria: ACMG Guidelines, 2015. Collection method: clinical testing. Allele origin: germline. Affected: yes. Observed: 2 variant alleles.

Literature cited by the submitters: PubMed 25544989 (cited by Labcorp Genetics (formerly Invitae), Labcorp).